The following is an entry in ClinVar:

NC_000018.9:g.(?_55313657)_(55470548_?)dup

Gene: ATP8B1 (ATPase phospholipid transporting 8B1; minus strand). Cytogenetic location: 18q21.31.
Variant type: Duplication.
Identifiers: ClinVar variation 4848027 (VCV004848027.1).

ClinVar aggregate classification (germline): Uncertain significance (1 of 4 stars; one submission).

Submission:

Women's Health and Genetics/Laboratory Corporation of America, LabCorp
Classification: Uncertain significance. Last evaluated: 2026-02-05. Review status: criteria provided, single submitter. Criteria: LabCorp Variant Classification Summary - May 2015. Collection method: clinical testing. Allele origin: germline.
Comment: Variant summary: The variant involves the duplication of exons 1-28 in the ATP8B1 gene. A presumed nomenclature of c.(?_-341)_(*2063_?)dup has been designated for the purposes of this classification. This duplication includes the entire coding sequence of the gene. As exact breakpoints are unknown, it may extend beyond the annotated region of the gene, to include other flanking genes. The variant was absent in 21646 control chromosomes. The available data on variant occurrences in the general population are insufficient to allow any conclusion about variant significance. To our knowledge, no occurrence of c.(?_-341)_(*2063_?)dup in individuals affected with ATP8B1-related conditions and no experimental evidence demonstrating its impact on protein function have been reported. No submitters have cited clinical-significance assessments for this variant to ClinVar. Based on the evidence outlined above, the variant was classified as uncertain significance.